The following is an entry in ClinVar:

NM_173628.4(DNAH17):c.5676G>A (p.Thr1892=)

Genes: DNAH17 (dynein axonemal heavy chain 17; minus strand), DNAH17-AS1 (DNAH17 antisense RNA 1; plus strand). Cytogenetic location: 17q25.3.
Variant type: single nucleotide variant.
Coding change: c.5676G>A on transcript NM_173628.4 (MANE Select); coding-DNA position 5676, G replaced by A.
Protein change: p.Thr1892=; no amino-acid change (threonine 1892 retained).
Molecular consequence: synonymous variant. On other transcripts: non-coding transcript variant (1).
Genome position (GRCh38, 1-based): chr17:78,499,077, C>T on the plus strand (G>A on the coding strand, the complement: DNAH17 is on the minus strand). VCF-style: chr17-78499077-C-T. GRCh37 (hg19) VCF-style: chr17-76495159-C-T.
Identifiers: ClinVar variation 3047841 (VCV003047841.2), dbSNP rs749991871, ClinGen allele CA8803123.
Genomic context (GRCh38, chr17:78,499,077, plus strand): 5'-AATCACAGACAAGACTTCCACTGAGATGCGATTAAACTCGTCAAAGCAGCCCCAGGCTCC[C>T]GTCTGGGCCAGGCCCTTGTAGATATTTCCACAGGACTGGAAAGGGCGAGATGGAGAAAGG-3'
Protein context (NP_775899.3, residues 1882-1902): CGNIYKGLAQ[Thr1892=]GAWGCFDEFN

ClinVar aggregate classification (germline): Likely benign (0 of 4 stars; one submission).

Conditions:
DNAH17-related disorder. Also called: DNAH17-related condition.

Allele frequency attached by ClinVar (database versions not stated): ExAC 0.00004; gnomAD 0.00004.
gnomAD v4.1: 97 of 1,607,872 alleles (0.006%); highest among the groups gnomAD compares: Admixed American, 0.012%; 1 homozygote.

Submission:

PreventionGenetics, part of Exact Sciences
Classification: Likely benign for DNAH17-related condition. Last evaluated: 2019-03-01. Review status: no assertion criteria provided. Collection method: clinical testing. Allele origin: germline.
Comment: This variant is classified as likely benign based on ACMG/AMP sequence variant interpretation guidelines (Richards et al. 2015 PMID: 25741868, with internal and published modifications).